The following is an entry in ClinVar:

NM_001378.3(DYNC1I2):c.897T>A (p.Tyr299Ter)

Gene: DYNC1I2 (dynein cytoplasmic 1 intermediate chain 2; plus strand). Cytogenetic location: 2q31.1.
Variant type: single nucleotide variant.
Coding change: c.897T>A on transcript NM_001378.3 (MANE Select); coding-DNA position 897, T replaced by A.
Protein change: p.Tyr299Ter; replaces tyrosine 299 with a stop codon.
Molecular consequence: nonsense.
Genome position (GRCh38, 1-based): chr2:171,726,817, T>A. VCF-style: chr2-171726817-T-A. GRCh37 (hg19) VCF-style: chr2-172583327-T-A.
Other names: c.897T>A, p.Tyr299Ter (NM_001271785.2); c.873T>A, p.Tyr291Ter (NM_001271786.2, NM_001271787.2); c.819T>A, p.Tyr273Ter (NM_001271788.2, NM_001271789.2, NM_001271790.2 and 1 more transcripts); c.879T>A, p.Tyr293Ter (NM_001320882.2, NM_001320883.2, NM_001378455.1 and 1 more transcripts); short protein forms Y273*, Y291*, Y293*, Y299*.
Identifiers: ClinVar variation 4885441 (VCV004885441.2).
Genomic context (GRCh38, chr2:171,726,817, plus strand): 5'-TAGCATTTCTTTTCTTCTTGATTCTTCTGAGCAGTATCCGGAGTTACTCGTGGCTTCCTA[T>A]AACAACAATGAAGATGCCCCTCATGAGCCTGATGGTGTGGCCCTTGTATGGAATATGAAA-3'

ClinVar aggregate classification (germline): Likely pathogenic (1 of 4 stars; one submission).

Submission:

Dasa
Classification: Likely pathogenic. Last evaluated: 2026-02-11. Review status: criteria provided, single submitter. Criteria: DASA Assertion Criteria. Collection method: clinical testing. Allele origin: germline.
Comment: NM_001378.3(DYNC1I2):c.897T>A (p.Tyr299*) is a nonsense variant in DYNC1I2 predicted to introduce a premature termination codon and is predicted to result in an absent or altered protein product. Loss of function is an established disease mechanism for DYNC1I2-associated disorders. Also, this variant is rare in population databases. Based on the currently available evidence, this variant is classified as likely pathogenic.